The following is an entry in ClinVar:

NM_001378609.3(OTOGL):c.6475T>C (p.Phe2159Leu)

Gene: OTOGL (otogelin like; plus strand). Cytogenetic location: 12q21.31.
Variant type: single nucleotide variant.
Coding change: c.6475T>C on transcript NM_001378609.3 (MANE Select); coding-DNA position 6475, T replaced by C.
Protein change: p.Phe2159Leu; replaces phenylalanine 2159 with leucine.
Molecular consequence: missense variant.
Genome position (GRCh38, 1-based): chr12:80,367,704, T>C. VCF-style: chr12-80367704-T-C. GRCh37 (hg19) VCF-style: chr12-80761484-T-C.
Other names: c.6340T>C, p.Phe2114Leu (NM_001368062.3); c.6475T>C, p.Phe2159Leu (NM_001378610.3, NM_173591.7); short protein forms F2114L, F2159L.
Identifiers: ClinVar variation 2661961 (VCV002661961.1), dbSNP rs1890634721, ClinGen allele CA385889494.
Genomic context (GRCh38, chr12:80,367,704, plus strand): 5'-TGTTATGCTATAGAGTGTCTGGAAGAAAAAGATAACCATACGGGCTTTCACACTCTGAAT[T>C]TTACACTGGTGAATTGTTCAAAAAAATGTGATGTTGTAAGTATTCCTTGTAATTTATTCT-3'
Protein context (NP_001365538.2, residues 2149-2169): DNHTGFHTLN[Phe2159Leu]TLVNCSKKCD

ClinVar aggregate classification (germline): Uncertain significance (1 of 4 stars; one submission).

Allele frequency attached by ClinVar (database versions not stated): gnomAD exomes below 0.00001; TOPMed below 0.00001.
gnomAD v4.1: 5 of 1,461,338 alleles (0.00034%); highest among the groups gnomAD compares: Middle Eastern, 0.018%; no homozygotes.

Submission:

GeneDx
Classification: Uncertain significance. Last evaluated: 2023-04-24. Review status: criteria provided, single submitter. Criteria: GeneDx Variant Classification Process June 2021. Collection method: clinical testing. Allele origin: germline. Affected: yes.
Comment: Not observed at significant frequency in large population cohorts (gnomAD); In silico analysis supports that this missense variant does not alter protein structure/function; Has not been previously published as pathogenic or benign to our knowledge